The following is an entry in ClinVar:

NM_005321.3(H1-4):c.67_68insT (p.Lys23fs)

Gene: H1-4 (H1.4 linker histone, cluster member; plus strand). Cytogenetic location: 6p22.2.
Variant type: Insertion.
Coding change: c.67_68insT on transcript NM_005321.3 (MANE Select); coding-DNA positions 67 to 68, T inserted.
Protein change: p.Lys23fs; shifts the reading frame from lysine 23.
Molecular consequence: frameshift variant.
Genome position: GRCh38 VCF-style: chr6-26156457-A-AT. GRCh37 (hg19) VCF-style: chr6-26156685-A-AT.
Other names: short protein forms K23fs.
Identifiers: ClinVar variation 3893413 (VCV003893413.1).

ClinVar aggregate classification (germline): Uncertain significance (1 of 4 stars; one submission).

Submission:

GeneDx
Classification: Uncertain significance. Last evaluated: 2024-10-24. Review status: criteria provided, single submitter. Criteria: GeneDx Variant Classification Process June 2021. Collection method: clinical testing. Allele origin: germline. Affected: yes.
Comment: Not observed at significant frequency in large population cohorts (gnomAD); Frameshift variant predicted to result in abnormal protein length as the last 197 amino acids are replaced with 23 different amino acids; Has not been previously published as pathogenic or benign to our knowledge